The following is an entry in ClinVar:

ClinVar aggregate classification (germline): Uncertain significance. Review status: criteria provided, multiple submitters, no conflicts (2 of 4 stars). 2 submissions from 2 submitters: Uncertain significance (2). Last evaluated 2025-10-22.

Conditions:
Duchenne muscular dystrophy (DMD). Also called: MUSCULAR DYSTROPHY, PSEUDOHYPERTROPHIC PROGRESSIVE, DUCHENNE TYPE; Duchenne Muscular Dystrophy (DMD). Identifiers: Orphanet 98896, MedGen C0013264, MONDO:0010679, OMIM 310200.

Submissions (2):

Mayo Clinic Laboratories, Mayo Clinic
Classification: Uncertain significance. Last evaluated: 2025-10-22. Review status: criteria provided, single submitter. Criteria: ACMG Guidelines, 2015. Collection method: clinical testing. Allele origin: germline. Observed: 1 variant allele.
Comment: BP4, PM2_supporting

Labcorp Genetics (formerly Invitae), Labcorp
Classification: Uncertain significance for Duchenne muscular dystrophy. Last evaluated: 2024-03-16. Review status: criteria provided, single submitter. Criteria: Invitae Variant Classification Sherloc (09022015). Collection method: clinical testing. Allele origin: germline.
Comment: This sequence change replaces glutamine, which is neutral and polar, with histidine, which is basic and polar, at codon 206 of the DMD protein (p.Gln206His). This variant is not present in population databases (gnomAD no frequency). This variant has not been reported in the literature in individuals affected with DMD-related conditions. Advanced modeling of protein sequence and biophysical properties (such as structural, functional, and spatial information, amino acid conservation, physicochemical variation, residue mobility, and thermodynamic stability) performed at Invitae indicates that this missense variant is not expected to disrupt DMD protein function with a negative predictive value of 95%. In summary, the available evidence is currently insufficient to determine the role of this variant in disease. Therefore, it has been classified as a Variant of Uncertain Significance.

NM_004006.3(DMD):c.618A>C (p.Gln206His)

Gene: DMD (dystrophin; minus strand). Cytogenetic location: Xp21.1.
Variant type: single nucleotide variant.
Coding change: c.618A>C on transcript NM_004006.3 (MANE Select); coding-DNA position 618, A replaced by C.
Protein change: p.Gln206His; replaces glutamine 206 with histidine.
Molecular consequence: missense variant.
Genome position (GRCh38, 1-based): chrX:32,809,524, T>G on the plus strand (A>C on the coding strand, the complement: DMD is on the minus strand). VCF-style: chrX-32809524-T-G. GRCh37 (hg19) VCF-style: chrX-32827641-T-G.
Other names: p.Gln206His; c.594A>C, p.Gln198His (NM_000109.4); c.606A>C, p.Gln202His (NM_004009.3); c.249A>C, p.Gln83His (NM_004010.3); short protein forms Q198H, Q206H, Q83H, Q202H.
Identifiers: ClinVar variation 3711660 (VCV003711660.3).